The following is an entry in ClinVar:

ClinVar aggregate classification (germline): Uncertain significance (1 of 4 stars; one submission).

gnomAD v4.1: 2 of 1,494,466 alleles (0.00013%); highest among the groups gnomAD compares: East Asian, 0.0023%; no homozygotes.

Submission:

Ambry Genetics
Classification: Uncertain significance. Last evaluated: 2025-07-12. Review status: criteria provided, single submitter. Criteria: Ambry Variant Classification Scheme 2023. Collection method: clinical testing. Allele origin: germline.
Comment: The p.G1482V variant (also known as c.4445G>T), located in coding exon 14 of the CDK12 gene, results from a G to T substitution at nucleotide position 4445. The glycine at codon 1482 is replaced by valine, an amino acid with dissimilar properties. This amino acid position is conserved. In addition, the in silico prediction for this alteration is inconclusive. Based on the available evidence, the clinical significance of this variant remains unclear.

NM_016507.4(CDK12):c.4445G>T (p.Gly1482Val)

Gene: CDK12 (cyclin dependent kinase 12; plus strand). Cytogenetic location: 17q12.
Variant type: single nucleotide variant.
Coding change: c.4445G>T on transcript NM_016507.4 (MANE Select); coding-DNA position 4445, G replaced by T.
Protein change: p.Gly1482Val; replaces glycine 1482 with valine.
Molecular consequence: missense variant.
Genome position (GRCh38, 1-based): chr17:39,531,288, G>T. VCF-style: chr17-39531288-G-T. GRCh37 (hg19) VCF-style: chr17-37687541-G-T.
Other names: c.4418G>T, p.Gly1473Val (NM_015083.4); short protein forms G1473V, G1482V.
Identifiers: ClinVar variation 4224280 (VCV004224280.1).